The following is an entry in ClinVar:

ClinVar aggregate classification (germline): Uncertain significance (1 of 4 stars; one submission).

Conditions:
Cardiovascular phenotype. Identifiers: MedGen CN230736.

gnomAD v4.1: 4 of 1,599,622 alleles (0.00025%); highest among the groups gnomAD compares: Admixed American, 0.0069%; no homozygotes.

Submission:

Ambry Genetics
Classification: Uncertain significance for Cardiovascular phenotype. Last evaluated: 2025-06-07. Review status: criteria provided, single submitter. Criteria: Ambry Variant Classification Scheme 2023. Collection method: clinical testing. Allele origin: germline.
Comment: The p.P236S variant (also known as c.706C>T) is located in coding exon 7 of the MAP2K2 gene. The proline at codon 236 is replaced by serine, an amino acid with similar properties. This change occurs in the first base pair of coding exon 7. This amino acid position is conserved. In addition, this alteration is predicted to be deleterious by in silico analysis. Based on the available evidence, the clinical significance of this variant remains unclear.

NM_030662.4(MAP2K2):c.706C>T (p.Pro236Ser)

Gene: MAP2K2 (mitogen-activated protein kinase kinase 2; minus strand). Cytogenetic location: 19p13.3.
Variant type: single nucleotide variant.
Coding change: c.706C>T on transcript NM_030662.4 (MANE Select); coding-DNA position 706, C replaced by T.
Protein change: p.Pro236Ser; replaces proline 236 with serine.
Molecular consequence: missense variant.
Genome position (GRCh38, 1-based): chr19:4,099,414, G>A on the plus strand (C>T on the coding strand, the complement: MAP2K2 is on the minus strand). VCF-style: chr19-4099414-G-A. GRCh37 (hg19) VCF-style: chr19-4099412-G-A.
Other names: short protein forms P236S.
Identifiers: ClinVar variation 4051191 (VCV004051191.1).